The following is an entry in ClinVar:

NM_001032382.2(PQBP1):c.508del (p.Arg170fs)

Gene: PQBP1 (polyglutamine binding protein 1; plus strand). Cytogenetic location: Xp11.23.
Variant type: Deletion.
Coding change: c.508del on transcript NM_001032382.2 (MANE Select); coding-DNA position 508, one base deleted (C; older notation c.508delC).
Protein change: p.Arg170fs; shifts the reading frame from arginine 170.
Molecular consequence: frameshift variant. On other transcripts: intron variant (1).
Genome position (GRCh38, 1-based): chrX:48,902,448, C deleted; the last of 2 consecutive C bases (chrX:48,902,447-48,902,448); deleting either gives the same sequence. VCF-style (leftmost placement, unchanged base first): chrX-48902446-AC-A. GRCh37 (hg19) VCF-style: chrX-48759723-AC-A.
Other names: c.508del, p.Arg170fs (NM_001032381.2, NM_001032383.2, NM_001032384.1 and 2 more transcripts); c.484del, p.Arg162fs (NM_001167990.2); c.208del, p.Arg70fs (NM_001167992.1); c.293-284del (NM_144495.3); c.508delC (NM_005710.2); short protein forms R162fs, R170fs, R70fs.
Identifiers: ClinVar variation 817349 (VCV000817349.1), dbSNP rs1602330603, ClinGen allele CA915951057.

ClinVar aggregate classification (germline): Pathogenic (1 of 4 stars; one submission).

Submission:

GeneDx
Classification: Pathogenic. Last evaluated: 2018-12-18. Review status: criteria provided, single submitter. Criteria: GeneDx Variant Classification (06012015). Collection method: clinical testing. Allele origin: germline. Affected: yes.
Comment: The c.508delC variant in the PQBP1 gene has not been reported previously as a pathogenic variant nor as a benign variant, to our knowledge. The c.508delC variant causes a frameshift starting with codon Arginine 170, changes this amino acid to a Glycine residue, and creates a premature Stop codon at position 25 of the new reading frame, denoted p.Arg170GlyfsX25. This variant is predicted to cause loss of normal protein function either through protein truncation or nonsense-mediated mRNA decay. The c.508delC variant is not observed in large population cohorts (Lek et al., 2016). We interpret c.508delC as a pathogenic variant.